The following is an entry in ClinVar:

ClinVar aggregate classification (germline): Uncertain significance (1 of 4 stars; one submission).

Conditions:
Atrioventricular septal defect 4 (AVSD4). Identifiers: MedGen C3280781, MONDO:0013747, OMIM 614430.

gnomAD v4.1: 14 of 1,528,646 alleles (0.00092%); highest among the groups gnomAD compares: Non-Finnish European, 0.0012%; no homozygotes.

Submission:

Labcorp Genetics (formerly Invitae), Labcorp
Classification: Uncertain significance for Atrioventricular septal defect 4. Last evaluated: 2025-01-05. Review status: criteria provided, single submitter. Criteria: Invitae Variant Classification Sherloc (09022015). Collection method: clinical testing. Allele origin: germline.
Comment: This sequence change replaces histidine, which is basic and polar, with glutamine, which is neutral and polar, at codon 190 of the GATA4 protein (p.His190Gln). This variant is not present in population databases (gnomAD no frequency). This variant has not been reported in the literature in individuals affected with GATA4-related conditions. Invitae Evidence Modeling of protein sequence and biophysical properties (such as structural, functional, and spatial information, amino acid conservation, physicochemical variation, residue mobility, and thermodynamic stability) has been performed for this missense variant. However, the output from this modeling did not meet the statistical confidence thresholds required to predict the impact of this variant on GATA4 protein function. In summary, the available evidence is currently insufficient to determine the role of this variant in disease. Therefore, it has been classified as a Variant of Uncertain Significance.

NM_001308093.3(GATA4):c.570C>A (p.His190Gln)

Gene: GATA4 (GATA binding protein 4). Cytogenetic location: 8p23.1.
Variant type: single nucleotide variant.
Coding change: c.570C>A on transcript NM_001308093.3 (MANE Select); coding-DNA position 570, C replaced by A.
Protein change: p.His190Gln; replaces histidine 190 with glutamine.
Molecular consequence: missense variant. On other transcripts: intron variant (3).
Genome position (GRCh38, 1-based): chr8:11,708,882, C>A. VCF-style: chr8-11708882-C-A. GRCh37 (hg19) VCF-style: chr8-11566391-C-A.
Other names: c.570C>A, p.His190Gln (NM_002052.5); c.-6+8104C>A (NM_001308094.2); c.-3+868C>A (NM_001374274.1); c.-3+4578C>A (NM_001374273.1); short protein forms H190Q.
Identifiers: ClinVar variation 3706298 (VCV003706298.2).